The following is an entry in ClinVar:

ClinVar aggregate classification (germline): Conflicting classifications of pathogenicity. Review status: criteria provided, conflicting classifications (1 of 4 stars). 2 submissions from 2 submitters: Uncertain significance (1); Likely benign (1). Last evaluated 2025-08-25.

Conditions:
RASopathy. Also called: rasopathies; Noonan spectrum disorder. Identifiers: Orphanet 536391, MedGen C5555857, MONDO:0021060.

Allele frequency attached by ClinVar (database versions not stated): gnomAD exomes below 0.00001; ExAC 0.00001.
gnomAD v4.1: 4 of 1,600,286 alleles (0.00025%); highest among the groups gnomAD compares: Admixed American, 0.0017%; no homozygotes.

Submissions (2):

Labcorp Genetics (formerly Invitae), Labcorp
Classification: Likely benign for RASopathy. Last evaluated: 2025-08-25. Review status: criteria provided, single submitter. Criteria: Invitae Variant Classification Sherloc (09022015). Collection method: clinical testing. Allele origin: germline.

GeneDx
Classification: Uncertain significance. Last evaluated: 2021-05-05. Review status: criteria provided, single submitter. Criteria: GeneDx Variant Classification Process June 2021. Collection method: clinical testing. Allele origin: germline. Affected: yes.
Comment: Has not been previously published as pathogenic or benign to our knowledge; In silico analysis supports a deleterious effect on splicing

NM_005633.4(SOS1):c.2391-13T>C

Gene: SOS1 (SOS Ras/Rac guanine nucleotide exchange factor 1; minus strand). Cytogenetic location: 2p22.1.
Variant type: single nucleotide variant.
Coding change: c.2391-13T>C on transcript NM_005633.4 (MANE Select); 13 bases into the intron before coding-DNA position 2391, T replaced by C.
Molecular consequence: intron variant.
Genome position (GRCh38, 1-based): chr2:39,010,716, A>G on the plus strand (T>C on the coding strand, the complement: SOS1 is on the minus strand). VCF-style: chr2-39010716-A-G. GRCh37 (hg19) VCF-style: chr2-39237857-A-G.
Other names: c.2370-13T>C (NM_001382394.1); c.2391-13T>C (NM_001382395.1).
Identifiers: ClinVar variation 1320692 (VCV001320692.3), dbSNP rs761268670, ClinGen allele CA1624415.